The following is an entry in ClinVar:

ClinVar aggregate classification (germline): Uncertain significance. Review status: criteria provided, multiple submitters, no conflicts (2 of 4 stars). 2 submissions from 2 submitters: Uncertain significance (2). Last evaluated 2023-07-16.

Conditions:
Cardiovascular phenotype. Identifiers: MedGen CN230736.
Dilated cardiomyopathy 1JJ (CMD1JJ). Identifiers: Orphanet 154, MedGen C3808935, MONDO:0014095, OMIM 615235.

gnomAD v4.1: 3 of 1,612,736 alleles (0.00019%); highest among the groups gnomAD compares: Non-Finnish European, 0.00025%; no homozygotes.

Submissions (2):

Ambry Genetics
Classification: Uncertain significance for Cardiovascular phenotype. Last evaluated: 2023-07-16. Review status: criteria provided, single submitter. Criteria: Ambry Variant Classification Scheme 2023. Collection method: clinical testing. Allele origin: germline.
Comment: The p.G1349R variant (also known as c.4045G>C), located in coding exon 29 of the LAMA4 gene, results from a G to C substitution at nucleotide position 4045. The glycine at codon 1349 is replaced by arginine, an amino acid with dissimilar properties. This amino acid position is conserved. In addition, this alteration is predicted to be deleterious by in silico analysis. Since supporting evidence is limited at this time, the clinical significance of this alteration remains unclear.

Labcorp Genetics (formerly Invitae), Labcorp
Classification: Uncertain significance for Dilated cardiomyopathy 1JJ. Last evaluated: 2023-05-25. Review status: criteria provided, single submitter. Criteria: Invitae Variant Classification Sherloc (09022015). Collection method: clinical testing. Allele origin: germline.
Comment: This sequence change replaces glycine, which is neutral and non-polar, with arginine, which is basic and polar, at codon 1349 of the LAMA4 protein (p.Gly1349Arg). In summary, the available evidence is currently insufficient to determine the role of this variant in disease. Therefore, it has been classified as a Variant of Uncertain Significance. An algorithm developed to predict the effect of missense changes on protein structure and function (PolyPhen-2) suggests that this variant is likely to be disruptive. ClinVar contains an entry for this variant (Variation ID: 642981). This variant has not been reported in the literature in individuals affected with LAMA4-related conditions. This variant is not present in population databases (gnomAD no frequency).

NM_001105206.3(LAMA4):c.4066G>C (p.Gly1356Arg)

Gene: LAMA4 (laminin subunit alpha 4; minus strand). Cytogenetic location: 6q21.
Variant type: single nucleotide variant.
Coding change: c.4066G>C on transcript NM_001105206.3 (MANE Select); coding-DNA position 4066, G replaced by C.
Protein change: p.Gly1356Arg; replaces glycine 1356 with arginine.
Molecular consequence: missense variant.
Genome position (GRCh38, 1-based): chr6:112,129,943, C>G on the plus strand (G>C on the coding strand, the complement: LAMA4 is on the minus strand). VCF-style: chr6-112129943-C-G. GRCh37 (hg19) VCF-style: chr6-112451145-C-G.
Other names: c.4045G>C, p.Gly1349Arg (NM_001105207.3, NM_002290.5); c.4045G>C (NM_002290.3); short protein forms G1349R, G1356R.
Identifiers: ClinVar variation 642981 (VCV000642981.10), dbSNP rs1268977606, ClinGen allele CA365373464.